The following is an entry in ClinVar:

NM_032977.4(CASP10):c.494A>G (p.Asp165Gly)

Gene: CASP10 (caspase 10; plus strand). Cytogenetic location: 2q33.1.
Variant type: single nucleotide variant.
Coding change: c.494A>G on transcript NM_032977.4 (MANE Select); coding-DNA position 494, A replaced by G.
Protein change: p.Asp165Gly; replaces aspartic acid 165 with glycine.
Molecular consequence: missense variant.
Genome position (GRCh38, 1-based): chr2:201,193,036, A>G. VCF-style: chr2-201193036-A-G. GRCh37 (hg19) VCF-style: chr2-202057759-A-G.
Other names: c.494A>G, p.Asp165Gly (NM_001206524.2, NM_001206542.2, NM_001230.5 and 3 more transcripts); short protein forms D165G.
Identifiers: ClinVar variation 3749578 (VCV003749578.2).
Genomic context (GRCh38, chr2:201,193,036, plus strand): 5'-TCTTGTAGACCTCCCTAAGTTTCCTGGCATTTCTAGAGAAACAAGGTAAAATAGATGAAG[A>G]TAATCTGACATGCCTGGAGGACCTCTGCAAAACAGTTGTACCTAAACTTTTGAGAAACAT-3'
Protein context (NP_116759.2, residues 155-175): FLEKQGKIDE[Asp165Gly]NLTCLEDLCK

ClinVar aggregate classification (germline): Uncertain significance (1 of 4 stars; one submission).

Conditions:
Autoimmune lymphoproliferative syndrome type 2A (ALPS2A). Also called: CASP10-Related Autoimmune Lymphoproliferative Syndrome; Autoimmune lymphoproliferative syndrome type 2; AUTOIMMUNE LYMPHOPROLIFERATIVE SYNDROME, TYPE IIA. Identifiers: Orphanet 3261, MedGen C1858968, MONDO:0011383, OMIM 603909.

Submission:

Labcorp Genetics (formerly Invitae), Labcorp
Classification: Uncertain significance for Autoimmune lymphoproliferative syndrome type 2A. Last evaluated: 2024-08-14. Review status: criteria provided, single submitter. Criteria: Invitae Variant Classification Sherloc (09022015). Collection method: clinical testing. Allele origin: germline.
Comment: This sequence change replaces aspartic acid, which is acidic and polar, with glycine, which is neutral and non-polar, at codon 165 of the CASP10 protein (p.Asp165Gly). This variant is not present in population databases (gnomAD no frequency). This variant has not been reported in the literature in individuals affected with CASP10-related conditions. Invitae Evidence Modeling of protein sequence and biophysical properties (such as structural, functional, and spatial information, amino acid conservation, physicochemical variation, residue mobility, and thermodynamic stability) indicates that this missense variant is not expected to disrupt CASP10 protein function with a negative predictive value of 80%. In summary, the available evidence is currently insufficient to determine the role of this variant in disease. Therefore, it has been classified as a Variant of Uncertain Significance.